The following is an entry in ClinVar:

ClinVar aggregate classification (germline): Likely pathogenic (1 of 4 stars; one submission).

Submission:

GeneDx
Classification: Likely pathogenic. Last evaluated: 2016-02-10. Review status: criteria provided, single submitter. Criteria: GeneDx Variant Classification (06012015). Collection method: clinical testing. Allele origin: germline. Affected: yes.
Comment: The F248S variant has notbeen published as a pathogenic variant, nor has it been reported as a benign variant to our knowledge. It was notobserved in approximately 6,500 individuals of European and African American ancestry in the NHLBI ExomeSequencing Project, indicating it is not a common benign variant in these populations. The F248S variant is anon-conservative amino acid substitution, which is likely to impact secondary protein structure as these residues differin polarity, charge, size and/or other properties. This substitution occurs at a conserved position predicted to bewithin transmembrane segment S5 of the KCNQ2 protein, and multiple missense variants in nearby residues havebeen reported in the Human Gene Mutation Database in association with KCNQ2-related disorders (Stenson et al.,2014), supporting the functional importance of this region of the protein. In silico analysis is inconsistent in itspredictions as to whether or not the variant is damaging to the protein structure/function. Therefore, this variant islikely pathogenic; however, the possibility that it is benign cannot be excluded.

NM_172107.4(KCNQ2):c.743T>C (p.Phe248Ser)

Gene: KCNQ2 (potassium voltage-gated channel subfamily Q member 2; minus strand). Cytogenetic location: 20q13.33.
Variant type: single nucleotide variant.
Coding change: c.743T>C on transcript NM_172107.4 (MANE Select); coding-DNA position 743, T replaced by C.
Protein change: p.Phe248Ser; replaces phenylalanine 248 with serine.
Molecular consequence: missense variant.
Genome position (GRCh38, 1-based): chr20:63,442,479, A>G on the plus strand (T>C on the coding strand, the complement: KCNQ2 is on the minus strand). VCF-style: chr20-63442479-A-G. GRCh37 (hg19) VCF-style: chr20-62073832-A-G.
Other names: c.743T>C, p.Phe248Ser (NM_004518.6, NM_172106.3, NM_172108.5 and 1 more transcripts); short protein forms F248S.
Identifiers: ClinVar variation 372909 (VCV000372909.1), dbSNP rs1057518068, ClinGen allele CA16043147.